The following is an entry in ClinVar:

ClinVar aggregate classification (germline): Uncertain significance (1 of 4 stars; one submission).

Submission:

GeneDx
Classification: Uncertain significance. Last evaluated: 2024-05-01. Review status: criteria provided, single submitter. Criteria: GeneDx Variant Classification Process June 2021. Collection method: clinical testing. Allele origin: germline. Affected: yes.
Comment: Not observed at significant frequency in large population cohorts (gnomAD); Frameshift variant predicted to result in protein truncation or nonsense mediated decay in a gene or region of a gene for which loss of function is not a well-established mechanism of disease; Has not been previously published as pathogenic or benign to our knowledge

NM_004960.4(FUS):c.980_983del (p.Asp327fs)

Gene: FUS (FUS RNA binding protein; plus strand). Cytogenetic location: 16p11.2.
Variant type: Microsatellite.
Coding change: c.980_983del on transcript NM_004960.4 (MANE Select); coding-DNA positions 980 to 983, 4 bases deleted (ACAG; older notation c.980_983delACAG).
Protein change: p.Asp327fs; shifts the reading frame from aspartic acid 327.
Molecular consequence: frameshift variant. On other transcripts: non-coding transcript variant (1).
Genome position (GRCh38, 1-based): chr16:31,189,708-31,189,711, ACAG deleted; deleting any 4 consecutive bases within chr16:31,189,704-31,189,711 gives the same sequence; the c. name uses the placement nearest the transcript's 3' end. VCF-style (leftmost placement, unchanged base first): chr16-31189703-CACAG-C. GRCh37 (hg19) VCF-style: chr16-31201024-CACAG-C.
Other names: c.977_980del, p.Asp326fs (NM_001170634.1); c.968_971del, p.Asp323fs (NM_001170937.1); c.976_979ACAG[1], p.Asp327Glyfs (NM_004960.3); c.980_983del (NM_004960.3); short protein forms D323fs, D326fs, D327fs.
Identifiers: ClinVar variation 3373199 (VCV003373199.1).